The following is an entry in ClinVar:

NM_001101426.4(CRPPA):c.659A>G (p.Asp220Gly)

Gene: CRPPA (CDP-L-ribitol pyrophosphorylase A; minus strand). Cytogenetic location: 7p21.2.
Variant type: single nucleotide variant.
Coding change: c.659A>G on transcript NM_001101426.4 (MANE Select); coding-DNA position 659, A replaced by G.
Protein change: p.Asp220Gly; replaces aspartic acid 220 with glycine.
Molecular consequence: missense variant. On other transcripts: non-coding transcript variant (1), intron variant (1).
Genome position (GRCh38, 1-based): chr7:16,376,117, T>C on the plus strand (A>G on the coding strand, the complement: CRPPA is on the minus strand). VCF-style: chr7-16376117-T-C. GRCh37 (hg19) VCF-style: chr7-16415742-T-C.
Other names: c.659A>G, p.Asp220Gly (NM_001368197.1); c.534+29944A>G (NM_001101417.4); short protein forms D220G.
Identifiers: ClinVar variation 1680777 (VCV001680777.5), dbSNP rs769223335, ClinGen allele CA4169548.

ClinVar aggregate classification (germline): Uncertain significance (1 of 4 stars; one submission).

Conditions:
Muscular dystrophy-dystroglycanopathy (congenital with brain and eye anomalies), type A, 7. Also called: WALKER-WARBURG SYNDROME OR MUSCLE-EYE-BRAIN DISEASE, ISPD-RELATED; Congenital muscular dystrophy-dystroglycanopathy with brain and eye anomalies, type A7. Identifiers: Orphanet 899, MedGen C3553330, MONDO:0013835, OMIM 614643.
Autosomal recessive limb-girdle muscular dystrophy type 2U. Also called: Muscular dystrophy-dystroglycanopathy (limb-girdle), type c, 7; MUSCULAR DYSTROPHY, LIMB-GIRDLE, TYPE 2U. Identifiers: Orphanet 352479, MedGen C5190987, MONDO:0014474, OMIM 616052.

Allele frequency attached by ClinVar (database versions not stated): gnomAD exomes below 0.00001; ExAC 0.00002.
gnomAD v4.1: 4 of 1,604,336 alleles (0.00025%); highest among the groups gnomAD compares: Middle Eastern, 0.017%; no homozygotes.

Submission:

Labcorp Genetics (formerly Invitae), Labcorp
Classification: Uncertain significance for Muscular dystrophy-dystroglycanopathy (congenital with brain and eye anomalies), type A, 7; Autosomal recessive limb-girdle muscular dystrophy type 2U. Last evaluated: 2024-10-18. Review status: criteria provided, single submitter. Criteria: Invitae Variant Classification Sherloc (09022015). Collection method: clinical testing. Allele origin: germline.
Comment: This sequence change replaces aspartic acid, which is acidic and polar, with glycine, which is neutral and non-polar, at codon 220 of the ISPD protein (p.Asp220Gly). This variant is present in population databases (rs769223335, gnomAD 0.001%). This variant has not been reported in the literature in individuals affected with ISPD-related conditions. ClinVar contains an entry for this variant (Variation ID: 1680777). Invitae Evidence Modeling of protein sequence and biophysical properties (such as structural, functional, and spatial information, amino acid conservation, physicochemical variation, residue mobility, and thermodynamic stability) indicates that this missense variant is not expected to disrupt ISPD protein function with a negative predictive value of 80%. In summary, the available evidence is currently insufficient to determine the role of this variant in disease. Therefore, it has been classified as a Variant of Uncertain Significance.